The following is an entry in ClinVar:

NM_000540.3(RYR1):c.13515-7C>T

Gene: RYR1 (ryanodine receptor 1; plus strand). Cytogenetic location: 19q13.2.
Variant type: single nucleotide variant.
Coding change: c.13515-7C>T on transcript NM_000540.3 (MANE Select); 7 bases into the intron before coding-DNA position 13515, C replaced by T.
Molecular consequence: intron variant.
Genome position (GRCh38, 1-based): chr19:38,567,766, C>T. VCF-style: chr19-38567766-C-T. GRCh37 (hg19) VCF-style: chr19-39058406-C-T.
Other names: c.13500-7C>T (NM_001042723.2).
Identifiers: ClinVar variation 2911092 (VCV002911092.5), dbSNP rs780441103, ClinGen allele CA060097.

ClinVar aggregate classification (germline): Likely benign. Review status: criteria provided, multiple submitters, no conflicts (2 of 4 stars). 3 submissions from 3 submitters: Likely benign (3). Last evaluated 2024-02-26.

Conditions:
Malignant hyperthermia, susceptibility to, 1 (MHS1). Also called: Malignant hyperthermia suceptibility 1; Anesthesia related hyperthermia; Malignant hyperpyrexia; Fulminating hyperpyrexia; Pharmacogenic myopathy; RYR1-Related Malignant Hyperthermia Susceptibility. Identifiers: Orphanet 423, MedGen C2930980, MONDO:0007783, OMIM 145600.
RYR1-related disorder. Also called: RYR1-related disorders; RYR1-related condition. Identifiers: MedGen CN239331.

Allele frequency attached by ClinVar (database versions not stated): ExAC 0.00001.
gnomAD v4.1: 3 of 1,614,154 alleles (0.00019%); highest among the groups gnomAD compares: Non-Finnish European, 0.00017%; no homozygotes.

Submissions (3):

Labcorp Genetics (formerly Invitae), Labcorp
Classification: Likely benign for RYR1-related disorder. Last evaluated: 2024-02-26. Review status: criteria provided, single submitter. Criteria: Invitae Variant Classification Sherloc (09022015). Collection method: clinical testing. Allele origin: germline.

All of Us Research Program, National Institutes of Health
Classification: Likely benign for Malignant hyperthermia, susceptibility to, 1. Last evaluated: 2023-08-08. Review status: criteria provided, single submitter. Criteria: ACMG Guidelines, 2015. Collection method: clinical testing. Allele origin: germline. Inheritance: Autosomal dominant inheritance. Observed: 1 variant allele, 1 heterozygote.
Comment: This study involves interpretation of variants in research participants for the purpose of population health screening. Participant phenotype was not available at the time of variant classification. Additional details can be found in publication PMID: 35346344, PMCID: PMC8962531

Color Diagnostics, LLC DBA Color Health
Classification: Likely benign for Malignant hyperthermia, susceptibility to, 1. Last evaluated: 2023-07-31. Review status: criteria provided, single submitter. Criteria: ACMG Guidelines, 2015. Collection method: clinical testing. Allele origin: germline.